The following is an entry in ClinVar:

NM_002485.5(NBN):c.1391A>G (p.Lys464Arg)

Gene: NBN (nibrin; minus strand). Cytogenetic location: 8q21.3.
Variant type: single nucleotide variant.
Coding change: c.1391A>G on transcript NM_002485.5 (MANE Select); coding-DNA position 1391, A replaced by G.
Protein change: p.Lys464Arg; replaces lysine 464 with arginine.
Molecular consequence: missense variant.
Genome position (GRCh38, 1-based): chr8:89,955,289, T>C on the plus strand (A>G on the coding strand, the complement: NBN is on the minus strand). VCF-style: chr8-89955289-T-C. GRCh37 (hg19) VCF-style: chr8-90967517-T-C.
Other names: c.1145A>G, p.Lys382Arg (NM_001024688.3); c.1391A>G (NM_002485.4); short protein forms K382R, K464R.
Identifiers: ClinVar variation 1388164 (VCV001388164.10), dbSNP rs2129716605, ClinGen allele CA371655962.

ClinVar aggregate classification (germline): Uncertain significance. Review status: criteria provided, multiple submitters, no conflicts (2 of 4 stars). 3 submissions from 3 submitters: Uncertain significance (3). Last evaluated 2025-02-05.

Conditions:
Hereditary cancer-predisposing syndrome. Also called: Hereditary neoplastic syndrome; Neoplastic Syndromes, Hereditary; Hereditary Cancer Syndrome; Tumor predisposition. Identifiers: Orphanet 140162, MedGen C0027672, MeSH D009386, MONDO:0015356.
Microcephaly, normal intelligence and immunodeficiency (NBS). Also called: SEEMANOVA SYNDROME II; IMMUNODEFICIENCY, MICROCEPHALY, AND CHROMOSOMAL INSTABILITY; Immunodeficiency, microcephaly with normal intelligence; BERLIN BREAKAGE SYNDROME; Nijmegen breakage syndrome; Microcephaly with normal intelligence immunodeficiency and lymphoreticular malignancies. Identifiers: Orphanet 647, MedGen C0398791, MONDO:0009623, OMIM 251260.

Allele frequency attached by ClinVar (database versions not stated): gnomAD exomes below 0.00001.
gnomAD v4.1: 2 of 1,613,806 alleles (0.00012%); highest among the groups gnomAD compares: African/African-American, 0.0027%; no homozygotes.

Submissions (3):

Quest Diagnostics Nichols Institute San Juan Capistrano
Classification: Uncertain significance. Last evaluated: 2025-02-05. Review status: criteria provided, single submitter. Criteria: Quest Diagnostics criteria. Collection method: clinical testing. Allele origin: unknown.
Comment: The NBN c.1391A>G (p.Lys464Arg) variant has not been reported in individuals with NBN-related conditions in the published literature. It also has not been reported in large, multi-ethnic general populations (Genome Aggregation Database). Analysis of this variant using bioinformatics tools for the prediction of the effect of amino acid changes on protein structure and function yielded predictions that this variant is benign. Based on the available information, we are unable to determine the clinical significance of this variant.

Ambry Genetics
Classification: Uncertain significance for Hereditary cancer-predisposing syndrome. Last evaluated: 2024-02-23. Review status: criteria provided, single submitter. Criteria: Ambry Variant Classification Scheme 2023. Collection method: clinical testing. Allele origin: germline.
Comment: The p.K464R variant (also known as c.1391A>G), located in coding exon 10 of the NBN gene, results from an A to G substitution at nucleotide position 1391. The lysine at codon 464 is replaced by arginine, an amino acid with highly similar properties. This amino acid position is conserved. In addition, this alteration is predicted to be tolerated by in silico analysis. Based on the available evidence, the clinical significance of this alteration remains unclear.

Labcorp Genetics (formerly Invitae), Labcorp
Classification: Uncertain significance for Microcephaly, normal intelligence and immunodeficiency. Last evaluated: 2021-05-25. Review status: criteria provided, single submitter. Criteria: Invitae Variant Classification Sherloc (09022015). Collection method: clinical testing. Allele origin: germline.
Comment: In summary, the available evidence is currently insufficient to determine the role of this variant in disease. Therefore, it has been classified as a Variant of Uncertain Significance. Algorithms developed to predict the effect of sequence changes on RNA splicing suggest that this variant may create or strengthen a splice site, but this prediction has not been confirmed by published transcriptional studies. Algorithms developed to predict the effect of missense changes on protein structure and function output the following: SIFT: "Tolerated"; PolyPhen-2: "Benign"; Align-GVGD: "Class C0". The arginine amino acid residue is found in multiple mammalian species, suggesting that this missense change does not adversely affect protein function. These predictions have not been confirmed by published functional studies and their clinical significance is uncertain. This variant has not been reported in the literature in individuals with NBN-related conditions. This variant is not present in population databases (ExAC no frequency). This sequence change replaces lysine with arginine at codon 464 of the NBN protein (p.Lys464Arg). The lysine residue is moderately conserved and there is a small physicochemical difference between lysine and arginine.